The following is an entry in ClinVar:

NM_006208.3(ENPP1):c.1755C>T (p.Asn585=)

Gene: ENPP1 (ectonucleotide pyrophosphatase/phosphodiesterase 1; plus strand). Cytogenetic location: 6q23.2.
Variant type: single nucleotide variant.
Coding change: c.1755C>T on transcript NM_006208.3 (MANE Select); coding-DNA position 1755, C replaced by T.
Protein change: p.Asn585=; no amino-acid change (asparagine 585 retained).
Molecular consequence: synonymous variant.
Genome position (GRCh38, 1-based): chr6:131,877,023, C>T. VCF-style: chr6-131877023-C-T. GRCh37 (hg19) VCF-style: chr6-132198163-C-T.
Other names: c.1755C>T (NM_006208.2).
Identifiers: ClinVar variation 3009383 (VCV003009383.4), dbSNP rs550644299, ClinGen allele CA147895635.
Genomic context (GRCh38, chr6:131,877,023, plus strand): 5'-AGTAACTCTACCATCTTGAAATTATGCAGATTTACTGAATTTGACACCGGCTCCTAATAA[C>T]GGAACTCATGGAAGTCTTAACCACCTTCTAAAGAATCCTGTTTATACGCCAAAGCATCCC-3'
Protein context (NP_006199.2, residues 575-595): DLLNLTPAPN[Asn585=]GTHGSLNHLL

ClinVar aggregate classification (germline): Likely benign. Review status: criteria provided, multiple submitters, no conflicts (2 of 4 stars). 2 submissions from 2 submitters: Likely benign (2). Last evaluated 2025-12-10.

Conditions:
ENPP1-related disorder. Also called: ENPP1-related disorders; ENPP1-related condition.

Allele frequency attached by ClinVar (database versions not stated): gnomAD exomes below 0.00001; gnomAD 0.00002; TOPMed 0.00002.
gnomAD v4.1: 12 of 1,613,954 alleles (0.00074%); highest among the groups gnomAD compares: African/African-American, 0.0067%; no homozygotes.

Submissions (2):

Labcorp Genetics (formerly Invitae), Labcorp
Classification: Likely benign. Last evaluated: 2025-12-10. Review status: criteria provided, single submitter. Criteria: Invitae Variant Classification Sherloc (09022015). Collection method: clinical testing. Allele origin: germline.

PreventionGenetics, part of Exact Sciences
Classification: Likely benign for ENPP1-related condition. Last evaluated: 2025-09-18. Review status: criteria provided, single submitter. Criteria: ACMG Guidelines, 2015. Collection method: clinical testing. Allele origin: germline.
Comment: This variant is classified as likely benign based on ACMG/AMP sequence variant interpretation guidelines (Richards et al. 2015 PMID: 25741868, with internal and published modifications).